The following is an entry in ClinVar:

ClinVar aggregate classification (germline): Uncertain significance. Review status: criteria provided, multiple submitters, no conflicts (2 of 4 stars). 2 submissions from 2 submitters: Uncertain significance (2). Last evaluated 2025-11-28.

Conditions:
Hereditary cancer-predisposing syndrome. Also called: Tumor predisposition; Hereditary Cancer Syndrome; Hereditary neoplastic syndrome; Neoplastic Syndromes, Hereditary. Identifiers: Orphanet 140162, MedGen C0027672, MeSH D009386, MONDO:0015356.
Rhabdoid tumor predisposition syndrome 2 (RTPS2). Identifiers: Orphanet 231108, Orphanet 69077, MedGen C2750074, MONDO:0013224, OMIM 613325.

Allele frequency attached by ClinVar (database versions not stated): gnomAD exomes below 0.00001; ExAC 0.00001.
gnomAD v4.1: 4 of 1,613,892 alleles (0.00025%); highest among the groups gnomAD compares: South Asian, 0.0044%; no homozygotes.

Submissions (2):

Labcorp Genetics (formerly Invitae), Labcorp
Classification: Uncertain significance for Rhabdoid tumor predisposition syndrome 2. Last evaluated: 2025-11-28. Review status: criteria provided, single submitter. Criteria: Invitae Variant Classification Sherloc (09022015). Collection method: clinical testing. Allele origin: germline.
Comment: This sequence change replaces glycine, which is neutral and non-polar, with serine, which is neutral and polar, at codon 125 of the SMARCA4 protein (p.Gly125Ser). This variant is present in population databases (rs747742900, gnomAD 0.006%). This variant has not been reported in the literature in individuals affected with SMARCA4-related conditions. ClinVar contains an entry for this variant (Variation ID: 2607049). Invitae Evidence Modeling of protein sequence and biophysical properties (such as structural, functional, and spatial information, amino acid conservation, physicochemical variation, residue mobility, and thermodynamic stability) indicates that this missense variant is not expected to disrupt SMARCA4 protein function with a negative predictive value of 95%. In summary, the available evidence is currently insufficient to determine the role of this variant in disease. Therefore, it has been classified as a Variant of Uncertain Significance.

Ambry Genetics
Classification: Uncertain significance for Hereditary cancer-predisposing syndrome. Last evaluated: 2023-06-23. Review status: criteria provided, single submitter. Criteria: Ambry Variant Classification Scheme 2023. Collection method: clinical testing. Allele origin: germline.
Comment: The p.G125S variant (also known as c.373G>A), located in coding exon 3 of the SMARCA4 gene, results from a G to A substitution at nucleotide position 373. The glycine at codon 125 is replaced by serine, an amino acid with similar properties. This amino acid position is highly conserved in available vertebrate species. In addition, the in silico prediction for this alteration is inconclusive. Missense and in-frame variants in SMARCA4 are known to cause neurodevelopmental disorders; however, such associations with rhabdoid tumor predisposition syndrome including small cell carcinoma of the ovary-hypercalcemic type (SCCOHT) are exceedingly rare (Kosho T et al. Am J Med Genet C Semin Med Genet. 2014 Sep;166C(3):262-75; Jelinic P et al. Nat Genet. 2014 May;46(5):424-6). Since supporting evidence is limited at this time, the clinical significance of this alteration remains unclear.

NM_003072.5(SMARCA4):c.373G>A (p.Gly125Ser)

Gene: SMARCA4 (SWI/SNF related BAF chromatin remodeling complex subunit ATPase 4; plus strand). Cytogenetic location: 19p13.2.
Variant type: single nucleotide variant.
Coding change: c.373G>A on transcript NM_003072.5 (MANE Select); coding-DNA position 373, G replaced by A.
Protein change: p.Gly125Ser; replaces glycine 125 with serine.
Molecular consequence: missense variant. On other transcripts: non-coding transcript variant (1).
Genome position (GRCh38, 1-based): chr19:10,986,206, G>A. VCF-style: chr19-10986206-G-A. GRCh37 (hg19) VCF-style: chr19-11096882-G-A.
Other names: c.373G>A, p.Gly125Ser (NM_001128844.3, NM_001128845.2, NM_001128846.2 and 6 more transcripts); short protein forms G125S.
Identifiers: ClinVar variation 2607049 (VCV002607049.3), dbSNP rs747742900, ClinGen allele CA9203494.